The following is an entry in ClinVar:

ClinVar aggregate classification (germline): Conflicting classifications of pathogenicity. Review status: criteria provided, conflicting classifications (1 of 4 stars). 8 submissions from 8 submitters: Uncertain significance (7); Likely benign (1). Last evaluated 2025-05-28.

Conditions:
Cardiovascular phenotype. Identifiers: MedGen CN230736.

Allele frequency attached by ClinVar (database versions not stated): gnomAD exomes 0.00003 and 0.00012; ExAC 0.00005; gnomAD 0.00005 and 0.00006; TOPMed 0.00007; ESP Exome Variant Server 0.00025.
gnomAD v4.1: 180 of 1,613,226 alleles (0.011%); highest among the groups gnomAD compares: Non-Finnish European, 0.015%; no homozygotes.

Submissions (8):

Athena Diagnostics
Classification: Uncertain significance. Last evaluated: 2025-05-28. Review status: criteria provided, single submitter. Criteria: Athena Diagnostics Criteria. Collection method: clinical testing. Allele origin: unknown.
Comment: Available data are insufficient to determine the clinical significance of the variant at this time. The frequency of this variant in the general population is uninformative in assessment of its pathogenicity. Polyphen and MutationTaster yielded discordant predictions regarding whether this amino acid change is damaging to the protein.

Revvity Omics, Revvity
Classification: Uncertain significance. Last evaluated: 2023-06-08. Review status: criteria provided, single submitter. Criteria: ACMG Guidelines, 2015. Collection method: clinical testing. Allele origin: germline.

CeGaT Center for Human Genetics Tuebingen
Classification: Uncertain significance. Last evaluated: 2023-01-01. Review status: criteria provided, single submitter. Criteria: CeGaT Center For Human Genetics Tuebingen Variant Classification Criteria Version 2. Collection method: clinical testing. Allele origin: germline. Affected: yes. Observed: 1 variant allele.
Comment: TTN: PM2, BP4

GeneDx
Classification: Likely benign. Last evaluated: 2020-02-03. Review status: criteria provided, single submitter. Criteria: GeneDx Variant Classification Process June 2021. Collection method: clinical testing. Allele origin: germline. Affected: yes.

Ambry Genetics
Classification: Uncertain significance for Cardiovascular phenotype. Last evaluated: 2019-07-08. Review status: criteria provided, single submitter. Criteria: Ambry Variant Classification Scheme 2023. Collection method: clinical testing. Allele origin: germline.
Comment: The p.L10274F variant (also known as c.30822G>C), located in coding exon 123 of the TTN gene, results from a G to C substitution at nucleotide position 30822. The leucine at codon 10274 is replaced by phenylalanine, an amino acid with highly similar properties. This amino acid position is well conserved in available vertebrate species. In addition, this alteration is predicted to be tolerated by in silico analysis. Since supporting evidence is limited at this time, the clinical significance of this alteration remains unclear.

Eurofins Ntd Llc (ga)
Classification: Uncertain significance. Last evaluated: 2017-04-04. Review status: criteria provided, single submitter. Criteria: EGL Classification Definitions 2015. Collection method: clinical testing. Allele origin: germline. Observed: 2 variant alleles, 2 heterozygotes.

Genomic Diagnostic Laboratory, Division of Genomic Diagnostics, Children's Hospital of Philadelphia
Classification: Uncertain significance. Last evaluated: 2015-07-10. Review status: criteria provided, single submitter. Criteria: DGD Variant Analysis Guidelines. Collection method: clinical testing. Allele origin: unknown.

Laboratory for Molecular Medicine, Mass General Brigham Personalized Medicine
Classification: Uncertain significance. Last evaluated: 2014-06-16. Review status: criteria provided, single submitter. Criteria: LMM Criteria. Collection method: clinical testing. Allele origin: germline. Observed: 1 variant allele.
Comment: The Leu16771Phe variant in TTN has not been previously reported in individuals w ith cardiomyopathy, but has been identified in 3/8244 European American chromoso mes by the NHLBI Exome Sequencing Project (db SNP rs368025965). Computational prediction tools and conservation analysis do no t provide strong support for or against an impact to the protein. In summary, t he clinical significance of the Leu16771Phe variant is uncertain.

NM_001267550.2(TTN):c.58017G>C (p.Leu19339Phe)

Genes: TTN (titin; minus strand), TTN-AS1 (TTN antisense RNA 1; plus strand). Cytogenetic location: 2q31.2.
Variant type: single nucleotide variant.
Coding change: c.58017G>C on transcript NM_001267550.2 (MANE Select); coding-DNA position 58017, G replaced by C.
Protein change: p.Leu19339Phe; replaces leucine 19339 with phenylalanine.
Molecular consequence: missense variant.
Genome position (GRCh38, 1-based): chr2:178,594,477, C>G on the plus strand (G>C on the coding strand, the complement: TTN is on the minus strand). VCF-style: chr2-178594477-C-G. GRCh37 (hg19) VCF-style: chr2-179459204-C-G.
Other names: c.53094G>C, p.Leu17698Phe (NM_001256850.1); c.30822G>C, p.Leu10274Phe (NM_003319.4); c.31197G>C, p.Leu10399Phe (NM_133432.3); c.31398G>C, p.Leu10466Phe (NM_133437.4); c.50313G>C, p.Leu16771Phe (NM_133378.4); short protein forms L16771F, L19339F, L10274F, L10466F, L10399F, L17698F.
Identifiers: ClinVar variation 165948 (VCV000165948.46), dbSNP rs368025965, ClinGen allele CA248768.
Genomic context (GRCh38, chr2:178,594,477, plus strand): 5'-GACACGGTACTCATAGGTATCACCTTCTTTTAAGCCTTTAACAGTGTATTTTCTGCTAAG[C>G]AAGTTGTCATTTGTAACTTTGTGGAACTTCTCAGTCCCAATGAGCCGACTTTCTAGGACA-3'
Protein context (NP_001254479.2, residues 19329-19349): EKFHKVTNDN[Leu19339Phe]LSRKYTVKGL